The following is an entry in ClinVar:

NM_006516.4(SLC2A1):c.1422A>T (p.Gln474His)

Gene: SLC2A1 (solute carrier family 2 member 1; minus strand). Cytogenetic location: 1p34.2.
Variant type: single nucleotide variant.
Coding change: c.1422A>T on transcript NM_006516.4 (MANE Select); coding-DNA position 1422, A replaced by T.
Protein change: p.Gln474His; replaces glutamine 474 with histidine.
Molecular consequence: missense variant.
Genome position (GRCh38, 1-based): chr1:42,927,098, T>A on the plus strand (A>T on the coding strand, the complement: SLC2A1 is on the minus strand). VCF-style: chr1-42927098-T-A. GRCh37 (hg19) VCF-style: chr1-43392769-T-A.
Other names: short protein forms Q474H.
Identifiers: ClinVar variation 1312873 (VCV001312873.2), dbSNP rs2124445392, ClinGen allele CA339952683.

ClinVar aggregate classification (germline): Uncertain significance (1 of 4 stars; one submission).

Submission:

GeneDx
Classification: Uncertain significance. Last evaluated: 2020-01-27. Review status: criteria provided, single submitter. Criteria: GeneDx Variant Classification Process June 2021. Collection method: clinical testing. Allele origin: germline. Affected: yes.
Comment: Not observed in large population cohorts (Lek et al., 2016); In silico analysis, which includes protein predictors and evolutionary conservation, supports that this variant does not alter protein structure/function; Has not been previously published as pathogenic or benign to our knowledge